The following is an entry in ClinVar:

NM_001134407.3(GRIN2A):c.4305G>C (p.Lys1435Asn)

Gene: GRIN2A (glutamate ionotropic receptor NMDA type subunit 2A; minus strand). Cytogenetic location: 16p13.2.
Variant type: single nucleotide variant.
Coding change: c.4305G>C on transcript NM_001134407.3 (MANE Select); coding-DNA position 4305, G replaced by C.
Protein change: p.Lys1435Asn; replaces lysine 1435 with asparagine.
Molecular consequence: missense variant. On other transcripts: 3 prime UTR variant (1).
Genome position (GRCh38, 1-based): chr16:9,763,239, C>G on the plus strand (G>C on the coding strand, the complement: GRIN2A is on the minus strand). VCF-style: chr16-9763239-C-G. GRCh37 (hg19) VCF-style: chr16-9857096-C-G.
Other names: c.4305G>C, p.Lys1435Asn (NM_000833.5); c.*116G>C (NM_001134408.2); short protein forms K1435N.
Identifiers: ClinVar variation 449602 (VCV000449602.2), dbSNP rs1555481948, ClinGen allele CA394705277.
Genomic context (GRCh38, chr16:9,763,239, plus strand): 5'-CTTGTACACGCGTCTATTGCTGCAGGAATTTAAAACCCTGGGGGTAGAGTACATATTATT[C>G]TTATTTGCAGCATAAGGCATAACATGCTCCGAAATATACACATCATTGTGGCCCCGACTG-3'
Protein context (NP_001127879.1, residues 1425-1445): SEHVMPYAAN[Lys1435Asn]NNMYSTPRVL

ClinVar aggregate classification (germline): Uncertain significance (1 of 4 stars; one submission).

Submission:

GeneDx
Classification: Uncertain significance. Last evaluated: 2015-12-04. Review status: criteria provided, single submitter. Criteria: GeneDx Variant Classification (06012015). Collection method: clinical testing. Allele origin: germline. Affected: yes.
Comment: p.Lys1435Asn (K1435N) (AAG>AAC): c.4305 G>C in exon 14 of the GRIN2A gene (NM_000833.3) A variant of uncertain significance has been identified in the GRIN2A gene. The K1435N variant has not been published as a pathogenic variant, nor has it been reported as a benign variant to our knowledge. It was not observed in approximately 6,500 individuals of European and African American ancestry in the NHLBI Exome Sequencing Project, indicating it is not a common benign variant in these populations. The K1435N variant is a semi-conservative amino acid substitution, which may impact secondary protein structure as these residues differ in some properties. However, this substitution occurs at a position that is not conserved, and in silico analysis is inconsistent in its predictions as to whether or not the variant is damaging to the protein structure/function. Therefore, based on the currently available information, it is unclear whether this variant is a pathogenic variant or a rare benign variant.